The following is an entry in ClinVar:

ClinVar aggregate classification (germline): Uncertain significance. Review status: criteria provided, multiple submitters, no conflicts (2 of 4 stars). 4 submissions from 4 submitters: Uncertain significance (4). Last evaluated 2025-12-29.

Conditions:
Hereditary cancer-predisposing syndrome. Also called: Neoplastic Syndromes, Hereditary; Tumor predisposition; Hereditary Cancer Syndrome; Hereditary neoplastic syndrome. Identifiers: Orphanet 140162, MedGen C0027672, MeSH D009386, MONDO:0015356.
Ataxia-telangiectasia syndrome (AT). Also called: LOUIS-BAR SYNDROME; Cerebello-oculocutaneous telangiectasia; Immunodeficiency with ataxia telangiectasia; Ataxia-telangiectasia, complementation group D; AT, COMPLEMENTATION GROUP C; ATAXIA-TELANGIECTASIA, COMPLEMENTATION GROUP A. Identifiers: Orphanet 100, MedGen C0004135, MONDO:0008840, OMIM 208900.

Submissions (4):

Center for Genomic Medicine, Rigshospitalet, Copenhagen University Hospital
Classification: Uncertain significance. Last evaluated: 2025-12-29. Review status: criteria provided, single submitter. Criteria: ACMG Guidelines, 2015. Collection method: clinical testing. Allele origin: germline.

Color Diagnostics, LLC DBA Color Health
Classification: Uncertain significance for Hereditary cancer-predisposing syndrome. Last evaluated: 2025-10-12. Review status: criteria provided, single submitter. Criteria: ACMG Guidelines, 2015. Collection method: clinical testing. Allele origin: germline.
Comment: This missense variant replaces leucine with phenylalanine at codon 1050 of the ATM protein. Computational prediction suggests that this variant may not impact protein structure and function. To our knowledge, functional studies have not been reported for this variant. This variant has not been reported in individuals affected with ATM-related disorders in the literature. This variant has not been identified in the general population by the Genome Aggregation Database (gnomAD). The available evidence is insufficient to determine the role of this variant in disease conclusively. Therefore, this variant is classified as a Variant of Uncertain Significance.

Labcorp Genetics (formerly Invitae), Labcorp
Classification: Uncertain significance for Ataxia-telangiectasia syndrome. Last evaluated: 2025-01-15. Review status: criteria provided, single submitter. Criteria: Invitae Variant Classification Sherloc (09022015). Collection method: clinical testing. Allele origin: germline.
Comment: This sequence change replaces leucine, which is neutral and non-polar, with phenylalanine, which is neutral and non-polar, at codon 1050 of the ATM protein (p.Leu1050Phe). This variant is not present in population databases (gnomAD no frequency). This variant has not been reported in the literature in individuals affected with ATM-related conditions. ClinVar contains an entry for this variant (Variation ID: 1728144). Invitae Evidence Modeling of protein sequence and biophysical properties (such as structural, functional, and spatial information, amino acid conservation, physicochemical variation, residue mobility, and thermodynamic stability) indicates that this missense variant is not expected to disrupt ATM protein function with a negative predictive value of 95%. In summary, the available evidence is currently insufficient to determine the role of this variant in disease. Therefore, it has been classified as a Variant of Uncertain Significance.

Ambry Genetics
Classification: Uncertain significance for Hereditary cancer-predisposing syndrome. Last evaluated: 2022-08-24. Review status: criteria provided, single submitter. Criteria: Ambry Variant Classification Scheme 2023. Collection method: clinical testing. Allele origin: germline.
Comment: The p.L1050F variant (also known as c.3148C>T), located in coding exon 20 of the ATM gene, results from a C to T substitution at nucleotide position 3148. The leucine at codon 1050 is replaced by phenylalanine, an amino acid with highly similar properties. This amino acid position is conserved. In addition, this alteration is predicted to be deleterious by in silico analysis. Since supporting evidence is limited at this time, the clinical significance of this alteration remains unclear.

NM_000051.4(ATM):c.3148C>T (p.Leu1050Phe)

Gene: ATM (ATM serine/threonine kinase; plus strand). Cytogenetic location: 11q22.3.
Variant type: single nucleotide variant.
Coding change: c.3148C>T on transcript NM_000051.4 (MANE Select); coding-DNA position 3148, C replaced by T.
Protein change: p.Leu1050Phe; replaces leucine 1050 with phenylalanine.
Molecular consequence: missense variant.
Genome position (GRCh38, 1-based): chr11:108,272,602, C>T. VCF-style: chr11-108272602-C-T. GRCh37 (hg19) VCF-style: chr11-108143329-C-T.
Other names: c.3148C>T, p.Leu1050Phe (NM_001351834.2); short protein forms L1050F.
Identifiers: ClinVar variation 1728144 (VCV001728144.9), dbSNP rs2135566777, ClinGen allele CA382515376.